The following is an entry in ClinVar:

NM_001961.4(EEF2):c.1223G>T (p.Gly408Val)

Gene: EEF2 (eukaryotic translation elongation factor 2; minus strand). Cytogenetic location: 19p13.3.
Variant type: single nucleotide variant.
Coding change: c.1223G>T on transcript NM_001961.4 (MANE Select); coding-DNA position 1223, G replaced by T.
Protein change: p.Gly408Val; replaces glycine 408 with valine.
Molecular consequence: missense variant.
Genome position (GRCh38, 1-based): chr19:3,980,637, C>A on the plus strand (G>T on the coding strand, the complement: EEF2 is on the minus strand). VCF-style: chr19-3980637-C-A. GRCh37 (hg19) VCF-style: chr19-3980635-C-A.
Other names: short protein forms G408V.
Identifiers: ClinVar variation 1804365 (VCV001804365.1), dbSNP rs756738121, ClinGen allele CA403393112.

ClinVar aggregate classification (germline): Uncertain significance (1 of 4 stars; one submission).

Submission:

GeneDx
Classification: Uncertain significance. Last evaluated: 2022-06-13. Review status: criteria provided, single submitter. Criteria: GeneDx Variant Classification Process June 2021. Collection method: clinical testing. Allele origin: germline. Affected: yes.
Comment: Not observed at significant frequency in large population cohorts (gnomAD); In silico analysis supports that this missense variant has a deleterious effect on protein structure/function; Has not been previously published as pathogenic or benign to our knowledge